The following is an entry in ClinVar:

ClinVar aggregate classification (germline): Likely benign. Review status: criteria provided, single submitter (1 of 4 stars). 2 submissions from 2 submitters: Likely benign (1). 1 of the submissions does not count toward it. Last evaluated 2023-12-04.

Conditions:
RAI1-related disorder. Also called: RAI1-related condition.

Allele frequency attached by ClinVar (database versions not stated): gnomAD 0.00001 and 0.00002; TOPMed 0.00001; gnomAD exomes 0.00002 and 0.00004; ExAC 0.00004.
gnomAD v4.1: 32 of 1,613,880 alleles (0.002%); highest among the groups gnomAD compares: South Asian, 0.023%; no homozygotes.

Submissions (2):

Labcorp Genetics (formerly Invitae), Labcorp
Classification: Likely benign. Last evaluated: 2023-12-04. Review status: criteria provided, single submitter. Criteria: Invitae Variant Classification Sherloc (09022015). Collection method: clinical testing. Allele origin: germline.

PreventionGenetics, part of Exact Sciences
Classification: Likely benign for RAI1-related condition. Last evaluated: 2019-05-01. Review status: no assertion criteria provided. Collection method: clinical testing. Allele origin: germline. Not counted in ClinVar's aggregate classification.
Comment: This variant is classified as likely benign based on ACMG/AMP sequence variant interpretation guidelines (Richards et al. 2015 PMID: 25741868, with internal and published modifications).

NM_030665.4(RAI1):c.4860G>A (p.Ala1620=)

Gene: RAI1 (retinoic acid induced 1; plus strand). Cytogenetic location: 17p11.2.
Variant type: single nucleotide variant.
Coding change: c.4860G>A on transcript NM_030665.4 (MANE Select); coding-DNA position 4860, G replaced by A.
Protein change: p.Ala1620=; no amino-acid change (alanine 1620 retained).
Molecular consequence: synonymous variant.
Genome position (GRCh38, 1-based): chr17:17,797,808, G>A. VCF-style: chr17-17797808-G-A. GRCh37 (hg19) VCF-style: chr17-17701122-G-A.
Other names: c.4860G>A (NM_030665.3).
Identifiers: ClinVar variation 1604941 (VCV001604941.9), dbSNP rs777717641, ClinGen allele CA8419046.